The following is an entry in ClinVar:

ClinVar aggregate classification (germline): Uncertain significance. Review status: criteria provided, multiple submitters, no conflicts (2 of 4 stars). 2 submissions from 2 submitters: Uncertain significance (2). Last evaluated 2021-04-14.

Conditions:
Ullrich congenital muscular dystrophy 2 (UCMD2). Identifiers: Orphanet 75840, MedGen C4225314, MONDO:0014654, OMIM 616470.
Bethlem myopathy 2 (BTHLM2). Identifiers: Orphanet 536516, Orphanet 610, MedGen C4225313, MONDO:0034022, OMIM 616471.

Submissions (2):

Labcorp Genetics (formerly Invitae), Labcorp
Classification: Uncertain significance for Bethlem myopathy 2; Ullrich congenital muscular dystrophy 2. Last evaluated: 2021-04-14. Review status: criteria provided, single submitter. Criteria: Invitae Variant Classification Sherloc (09022015). Collection method: clinical testing. Allele origin: germline.
Comment: This sequence change replaces aspartic acid with asparagine at codon 707 of the COL12A1 protein (p.Asp707Asn). The aspartic acid residue is moderately conserved and there is a small physicochemical difference between aspartic acid and asparagine. This variant is not present in population databases (ExAC no frequency). This variant has not been reported in the literature in individuals with COL12A1-related conditions. Algorithms developed to predict the effect of missense changes on protein structure and function are either unavailable or do not agree on the potential impact of this missense change (SIFT: "Deleterious"; PolyPhen-2: "Benign"; Align-GVGD: "Class C0"). In summary, the available evidence is currently insufficient to determine the role of this variant in disease. Therefore, it has been classified as a Variant of Uncertain Significance.

Revvity Omics, Revvity
Classification: Uncertain significance. Last evaluated: 2021-04-08. Review status: criteria provided, single submitter. Criteria: ACMG Guidelines, 2015. Collection method: clinical testing. Allele origin: germline.

NM_004370.6(COL12A1):c.2119G>A (p.Asp707Asn)

Gene: COL12A1 (collagen type XII alpha 1 chain; minus strand). Cytogenetic location: 6q13.
Variant type: single nucleotide variant.
Coding change: c.2119G>A on transcript NM_004370.6 (MANE Select); coding-DNA position 2119, G replaced by A.
Protein change: p.Asp707Asn; replaces aspartic acid 707 with asparagine.
Molecular consequence: missense variant. On other transcripts: intron variant (1).
Genome position (GRCh38, 1-based): chr6:75,180,984, C>T on the plus strand (G>A on the coding strand, the complement: COL12A1 is on the minus strand). VCF-style: chr6-75180984-C-T. GRCh37 (hg19) VCF-style: chr6-75890700-C-T.
Other names: c.73+21736G>A (NM_080645.3); short protein forms D707N.
Identifiers: ClinVar variation 1345415 (VCV001345415.10), dbSNP rs2149461916, ClinGen allele CA364765984.